The following is an entry in ClinVar:

NC_000012.11:g.(?_57960889)_(57965192_?)dup

Gene: KIF5A (kinesin family member 5A; plus strand). Cytogenetic location: 12q13.3.
Variant type: Duplication.
Identifiers: ClinVar variation 1411308 (VCV001411308.4).

ClinVar aggregate classification (germline): Uncertain significance (1 of 4 stars; one submission).

Conditions:
Spastic paraplegia. Identifiers: MedGen C0037772, HP:0001258.

Submission:

Labcorp Genetics (formerly Invitae), Labcorp
Classification: Uncertain significance for Spastic paraplegia. Last evaluated: 2021-09-17. Review status: criteria provided, single submitter. Criteria: Invitae Variant Classification Sherloc (09022015). Collection method: clinical testing. Allele origin: germline.
Comment: In summary, the available evidence is currently insufficient to determine the role of this variant in disease. Therefore, it has been classified as a Variant of Uncertain Significance. This variant has not been reported in the literature in individuals affected with KIF5A-related conditions. This variant results in a copy number gain of the genomic region encompassing exon(s) 7-13 of the KIF5A gene. While the exact position of this variant cannot be determined from the data, sub-genic copy number gains are generally in tandem (PMID: 25640679). This variant is predicted to be in-frame, and likely preserves the integrity of the reading frame.

Literature cited by the submitters: PubMed 25640679.